The following is an entry in ClinVar:

NM_017950.4(CCDC40):c.38C>T (p.Pro13Leu)

Gene: CCDC40 (coiled-coil domain 40 molecular ruler complex subunit; plus strand). Cytogenetic location: 17q25.3.
Variant type: single nucleotide variant.
Coding change: c.38C>T on transcript NM_017950.4 (MANE Select); coding-DNA position 38, C replaced by T.
Protein change: p.Pro13Leu; replaces proline 13 with leucine.
Molecular consequence: missense variant.
Genome position (GRCh38, 1-based): chr17:80,038,131, C>T. VCF-style: chr17-80038131-C-T. GRCh37 (hg19) VCF-style: chr17-78011930-C-T.
Other names: c.38C>T, p.Pro13Leu (NM_001243342.2, NM_001330508.2); short protein forms P13L.
Identifiers: ClinVar variation 1400196 (VCV001400196.5), dbSNP rs541172966, ClinGen allele CA8813356.

ClinVar aggregate classification (germline): Uncertain significance (1 of 4 stars; one submission).

Conditions:
Primary ciliary dyskinesia. Also called: Ciliary dyskinesia. Identifiers: Orphanet 244, MedGen C0008780, MONDO:0016575, HP:0012265.

Allele frequency attached by ClinVar (database versions not stated): TOPMed 0.00002; gnomAD exomes 0.00007 and 0.00015; ExAC 0.00019; 1000 Genomes Project 30x 0.00031; 1000 Genomes Project 0.00040.
gnomAD v4.1: 110 of 1,609,078 alleles (0.0068%); highest among the groups gnomAD compares: South Asian, 0.1%; no homozygotes.

Submission:

Labcorp Genetics (formerly Invitae), Labcorp
Classification: Uncertain significance for Primary ciliary dyskinesia. Last evaluated: 2021-08-28. Review status: criteria provided, single submitter. Criteria: Invitae Variant Classification Sherloc (09022015). Collection method: clinical testing. Allele origin: germline.
Comment: This sequence change replaces proline with leucine at codon 13 of the CCDC40 protein (p.Pro13Leu). The proline residue is weakly conserved and there is a moderate physicochemical difference between proline and leucine. This variant is present in population databases (rs541172966, ExAC 0.1%). This missense change has been observed in individual(s) with clinical features primary ciliary dyskinesia (Invitae). Algorithms developed to predict the effect of missense changes on protein structure and function output the following: SIFT: "Tolerated"; PolyPhen-2: "Benign"; Align-GVGD: "Class C0". The leucine amino acid residue is found in multiple mammalian species, which suggests that this missense change does not adversely affect protein function. In summary, the available evidence is currently insufficient to determine the role of this variant in disease. Therefore, it has been classified as a Variant of Uncertain Significance.